The following is an entry in ClinVar:

ClinVar aggregate classification (germline): Uncertain significance (1 of 4 stars; one submission).

Conditions:
Long QT syndrome (LQTS). Identifiers: MedGen C0023976, MeSH D008133, MONDO:0002442. Disease mechanism: loss of function. Inheritance: Various modes of inheritance.

Submission:

Labcorp Genetics (formerly Invitae), Labcorp
Classification: Uncertain significance for Long QT syndrome. Last evaluated: 2025-03-24. Review status: criteria provided, single submitter. Criteria: Invitae Variant Classification Sherloc (09022015). Collection method: clinical testing. Allele origin: germline.
Comment: This sequence change replaces serine, which is neutral and polar, with proline, which is neutral and non-polar, at codon 581 of the KCNH2 protein (p.Ser581Pro). This variant is not present in population databases (gnomAD no frequency). This variant has not been reported in the literature in individuals affected with KCNH2-related conditions. An algorithm developed to predict the effect of missense changes on protein structure and function (PolyPhen-2) suggests that this variant is likely to be tolerated. In summary, the available evidence is currently insufficient to determine the role of this variant in disease. Therefore, it has been classified as a Variant of Uncertain Significance.

NM_000238.4(KCNH2):c.1741T>C (p.Ser581Pro)

Gene: KCNH2 (potassium voltage-gated channel subfamily H member 2; minus strand). Cytogenetic location: 7q36.1.
Variant type: single nucleotide variant.
Coding change: c.1741T>C on transcript NM_000238.4 (MANE Select); coding-DNA position 1741, T replaced by C.
Protein change: p.Ser581Pro; replaces serine 581 with proline.
Molecular consequence: missense variant. On other transcripts: non-coding transcript variant (2).
Genome position (GRCh38, 1-based): chr7:150,951,652, A>G on the plus strand (T>C on the coding strand, the complement: KCNH2 is on the minus strand). VCF-style: chr7-150951652-A-G. GRCh37 (hg19) VCF-style: chr7-150648740-A-G.
Other names: c.721T>C, p.Ser241Pro (NM_001204798.2, NM_172057.3); c.1453T>C, p.Ser485Pro (NM_001406753.1, NM_001406756.1); c.1564T>C, p.Ser522Pro (NM_001406755.1); c.1441T>C, p.Ser481Pro (NM_001406757.1); c.1741T>C, p.Ser581Pro (NM_172056.3); short protein forms S241P, S481P, S581P, S522P, S485P.
Identifiers: ClinVar variation 4697256 (VCV004697256.1).